The following is an entry in ClinVar:

ClinVar aggregate classification (germline): Uncertain significance. Review status: criteria provided, multiple submitters, no conflicts (2 of 4 stars). 2 submissions from 2 submitters: Uncertain significance (2). Last evaluated 2023-09-28.

Conditions:
Familial hypobetalipoproteinemia 1. Also called: APOB-Related Familial Hypobetalipoproteinemia; Hypobetalipoproteinemia, normotriglyceridemic; Acanthocytosis with hypobetalipoproteinemia. Identifiers: MedGen C4551990, MONDO:0014252, OMIM 615558.
Hypercholesterolemia, autosomal dominant, type B (FHCL2). Also called: Hyperlipoproteinemia Type IIb; Familial hypercholesterolemia 2; Familial Hypercholesterolemia Type B; APOLIPOPROTEIN B-100, FAMILIAL DEFECTIVE; APOLIPOPROTEIN B-100, FAMILIAL LIGAND-DEFECTIVE; HYPERCHOLESTEROLEMIA, FAMILIAL, DUE TO LIGAND-DEFECTIVE APOLIPOPROTEIN B. Identifiers: MedGen C1704417, MONDO:0007751, OMIM 144010.
Cardiovascular phenotype. Identifiers: MedGen CN230736.

Allele frequency attached by ClinVar (database versions not stated): gnomAD exomes below 0.00001.
gnomAD v4.1: 1 of 1,606,572 alleles (0.000062%); highest among the groups gnomAD compares: Non-Finnish European, 0.000085%; no homozygotes.

Submissions (2):

Labcorp Genetics (formerly Invitae), Labcorp
Classification: Uncertain significance for Familial hypobetalipoproteinemia 1; Hypercholesterolemia, autosomal dominant, type B. Last evaluated: 2023-09-28. Review status: criteria provided, single submitter. Criteria: Invitae Variant Classification Sherloc (09022015). Collection method: clinical testing. Allele origin: germline.
Comment: This variant has not been reported in the literature in individuals affected with APOB-related conditions. In summary, the available evidence is currently insufficient to determine the role of this variant in disease. Therefore, it has been classified as a Variant of Uncertain Significance. Advanced modeling of protein sequence and biophysical properties (such as structural, functional, and spatial information, amino acid conservation, physicochemical variation, residue mobility, and thermodynamic stability) performed at Invitae indicates that this missense variant is not expected to disrupt APOB protein function. ClinVar contains an entry for this variant (Variation ID: 1742745). This variant is not present in population databases (gnomAD no frequency). This sequence change replaces lysine, which is basic and polar, with arginine, which is basic and polar, at codon 1579 of the APOB protein (p.Lys1579Arg).

Ambry Genetics
Classification: Uncertain significance for Cardiovascular phenotype. Last evaluated: 2021-12-18. Review status: criteria provided, single submitter. Criteria: Ambry Variant Classification Scheme 2023. Collection method: clinical testing. Allele origin: germline.
Comment: The p.K1579R variant (also known as c.4736A>G), located in coding exon 26 of the APOB gene, results from an A to G substitution at nucleotide position 4736. The lysine at codon 1579 is replaced by arginine, an amino acid with highly similar properties. This amino acid position is conserved. In addition, this alteration is predicted to be tolerated by in silico analysis. Since supporting evidence is limited at this time, the clinical significance of this alteration remains unclear.

NM_000384.3(APOB):c.4736A>G (p.Lys1579Arg)

Gene: APOB (apolipoprotein B; minus strand). Cytogenetic location: 2p24.1.
Variant type: single nucleotide variant.
Coding change: c.4736A>G on transcript NM_000384.3 (MANE Select); coding-DNA position 4736, A replaced by G.
Protein change: p.Lys1579Arg; replaces lysine 1579 with arginine.
Molecular consequence: missense variant.
Genome position (GRCh38, 1-based): chr2:21,012,132, T>C on the plus strand (A>G on the coding strand, the complement: APOB is on the minus strand). VCF-style: chr2-21012132-T-C. GRCh37 (hg19) VCF-style: chr2-21235004-T-C.
Other names: short protein forms K1579R.
Identifiers: ClinVar variation 1742745 (VCV001742745.5), dbSNP rs2103359406, ClinGen allele CA346006242.